The following is an entry in ClinVar:

ClinVar aggregate classification (germline): Uncertain significance. Review status: criteria provided, multiple submitters, no conflicts (2 of 4 stars). 8 submissions from 8 submitters: Uncertain significance (6). 2 of the submissions do not count toward it. Last evaluated 2024-10-14.

Conditions:
Retinal dystrophy. Also called: Inherited retinal dystrophy. Identifiers: Orphanet 71862, MedGen C0854723, MeSH D058499, MONDO:0019118, HP:0000556.
Leber congenital amaurosis 5 (LCA5). Also called: Amaurosis congenita of Leber, type 5. Identifiers: Orphanet 65, MedGen C1858301, MONDO:0011473, OMIM 604537.
Inborn genetic diseases. Identifiers: MedGen C0950123, MeSH D030342.

Allele frequency attached by ClinVar (database versions not stated): gnomAD 0.00006; TOPMed 0.00011; ESP Exome Variant Server 0.00023.
gnomAD v4.1: 195 of 1,613,086 alleles (0.012%); highest among the groups gnomAD compares: Middle Eastern, 0.049%; no homozygotes.

Submissions (8):

Blueprint Genetics
Classification: Uncertain significance. Last evaluated: 2024-10-14. Review status: criteria provided, single submitter. Criteria: ACMG Guidelines, 2015. Collection method: clinical testing. Allele origin: germline.

Ambry Genetics
Classification: Uncertain significance for Inborn genetic diseases. Last evaluated: 2024-08-04. Review status: criteria provided, single submitter. Criteria: Ambry Variant Classification Scheme 2023. Collection method: clinical testing. Allele origin: germline.

Labcorp Genetics (formerly Invitae), Labcorp
Classification: Uncertain significance. Last evaluated: 2022-06-27. Review status: criteria provided, single submitter. Criteria: Invitae Variant Classification Sherloc (09022015). Collection method: clinical testing. Allele origin: germline.
Comment: This sequence change replaces valine, which is neutral and non-polar, with isoleucine, which is neutral and non-polar, at codon 401 of the LCA5 protein (p.Val401Ile). This variant is present in population databases (rs141821682, gnomAD 0.01%). This variant has not been reported in the literature in individuals affected with LCA5-related conditions. ClinVar contains an entry for this variant (Variation ID: 358095). Algorithms developed to predict the effect of missense changes on protein structure and function output the following: SIFT: "Tolerated"; PolyPhen-2: "Benign"; Align-GVGD: "Class C0". The isoleucine amino acid residue is found in multiple mammalian species, which suggests that this missense change does not adversely affect protein function. In summary, the available evidence is currently insufficient to determine the role of this variant in disease. Therefore, it has been classified as a Variant of Uncertain Significance.

Department of Pathology and Laboratory Medicine, Sinai Health System
Classification: Uncertain significance for Leber congenital amaurosis 5. Last evaluated: 2022-04-21. Review status: criteria provided, single submitter. Criteria: ACMG Guidelines, 2015. Collection method: research. Allele origin: germline.

Fulgent Genetics
Classification: Uncertain significance for Leber congenital amaurosis 5. Last evaluated: 2021-12-06. Review status: criteria provided, single submitter. Criteria: ACMG Guidelines, 2015. Collection method: clinical testing. Allele origin: unknown.

Illumina Laboratory Services, Illumina
Classification: Uncertain significance for Leber congenital amaurosis 5. Last evaluated: 2018-01-12. Review status: criteria provided, single submitter. Criteria: ICSL Variant Classification Criteria 13 December 2019. Collection method: clinical testing. Allele origin: germline.

Institute of Human Genetics, Univ. Regensburg, Univ. Regensburg
Classification: Uncertain significance for Retinal dystrophy. Last evaluated: 2022-01-01. Review status: no assertion criteria provided. Criteria: ACMG Guidelines, 2015. Collection method: clinical testing. Allele origin: germline. Affected: yes. Not counted in ClinVar's aggregate classification.

Natera, Inc.
Classification: Uncertain significance for Leber congenital amaurosis type 5. Last evaluated: 2020-12-29. Review status: no assertion criteria provided. Collection method: clinical testing. Allele origin: germline. Not counted in ClinVar's aggregate classification.

NM_001122769.3(LCA5):c.1201G>A (p.Val401Ile)

Gene: LCA5 (lebercilin LCA5; minus strand). Cytogenetic location: 6q14.1.
Variant type: single nucleotide variant.
Coding change: c.1201G>A on transcript NM_001122769.3 (MANE Select); coding-DNA position 1201, G replaced by A.
Protein change: p.Val401Ile; replaces valine 401 with isoleucine.
Molecular consequence: missense variant.
Genome position (GRCh38, 1-based): chr6:79,489,114, C>T on the plus strand (G>A on the coding strand, the complement: LCA5 is on the minus strand). VCF-style: chr6-79489114-C-T. GRCh37 (hg19) VCF-style: chr6-80198831-C-T.
Other names: c.1201G>A, p.Val401Ile (NM_181714.4); short protein forms V401I.
Identifiers: ClinVar variation 358095 (VCV000358095.16), dbSNP rs141821682, ClinGen allele CA3900888.